The following is an entry in ClinVar:

NM_004364.5(CEBPA):c.894G>C (p.Lys298Asn)

Gene: CEBPA (CCAAT enhancer binding protein alpha; minus strand). Cytogenetic location: 19q13.11.
Variant type: single nucleotide variant.
Coding change: c.894G>C on transcript NM_004364.5 (MANE Select); coding-DNA position 894, G replaced by C.
Protein change: p.Lys298Asn; replaces lysine 298 with asparagine.
Molecular consequence: missense variant.
Genome position (GRCh38, 1-based): chr19:33,301,521, C>G on the plus strand (G>C on the coding strand, the complement: CEBPA is on the minus strand). VCF-style: chr19-33301521-C-G. GRCh37 (hg19) VCF-style: chr19-33792427-C-G.
Other names: c.537G>C, p.Lys179Asn (NM_001285829.2); c.999G>C, p.Lys333Asn (NM_001287424.2); c.852G>C, p.Lys284Asn (NM_001287435.2); short protein forms K179N, K298N, K284N, K333N.
Identifiers: ClinVar variation 4000028 (VCV004000028.1).
Genomic context (GRCh38, chr19:33,301,521, plus strand): 5'-GGTCAGCTCCAGCACCTTCTGCTGCGTCTCCACGTTGCGCTGCTTGGCCTTGTCGCGGCT[C>G]TTGCGCACCGCGATGTTGTTGCGCTCGCGCCGCACCCGGTACTCGTTGCTGTTCTTGTCC-3'
Protein context (NP_004355.2, residues 288-308): RRERNNIAVR[Lys298Asn]SRDKAKQRNV

ClinVar aggregate classification (germline): Uncertain significance (1 of 4 stars; one submission).

Conditions:
Inborn genetic diseases. Identifiers: MedGen C0950123, MeSH D030342.

Submission:

Ambry Genetics
Classification: Uncertain significance for Inborn genetic diseases. Last evaluated: 2025-06-09. Review status: criteria provided, single submitter. Criteria: Ambry Variant Classification Scheme 2023. Collection method: clinical testing. Allele origin: germline.
Comment: The p.K298N variant (also known as c.894G>C), located in coding exon 1 of the CEBPA gene, results from a G to C substitution at nucleotide position 894. The lysine at codon 298 is replaced by asparagine, an amino acid with similar properties. This amino acid position is conserved. In addition, this alteration is predicted to be tolerated by in silico analysis. Based on the available evidence, the clinical significance of this variant remains unclear.